The following is an entry in ClinVar:

NM_000061.3(BTK):c.1406C>T (p.Pro469Leu)

Gene: BTK (Bruton tyrosine kinase; minus strand). Cytogenetic location: Xq22.1.
Variant type: single nucleotide variant.
Coding change: c.1406C>T on transcript NM_000061.3 (MANE Select); coding-DNA position 1406, C replaced by T.
Protein change: p.Pro469Leu; replaces proline 469 with leucine.
Molecular consequence: missense variant. On other transcripts: intron variant (1).
Genome position (GRCh38, 1-based): chrX:101,356,212, G>A on the plus strand (C>T on the coding strand, the complement: BTK is on the minus strand). VCF-style: chrX-101356212-G-A. GRCh37 (hg19) VCF-style: chrX-100611200-G-A.
Other names: c.1508C>T, p.Pro503Leu (NM_001287344.2); c.1039-1518C>T (NM_001287345.2); short protein forms P503L, P469L.
Identifiers: ClinVar variation 4746915 (VCV004746915.1).

ClinVar aggregate classification (germline): Uncertain significance (1 of 4 stars; one submission).

Conditions:
X-linked agammaglobulinemia with growth hormone deficiency (IGHD3). Also called: Isolated growth hormone deficiency type 3; Growth hormone deficiency with hypogammaglobulinemia; ISOLATED GROWTH HORMONE DEFICIENCY, TYPE III, WITH AGAMMAGLOBULINEMIA; AGAMMAGLOBULINEMIA AND ISOLATED GROWTH HORMONE DEFICIENCY, X-LINKED; FLEISHER SYNDROME; HYPOGAMMAGLOBULINEMIA AND ISOLATED GROWTH HORMONE DEFICIENCY, X-LINKED. Identifiers: Orphanet 231692, Orphanet 631, MedGen C0472813, MONDO:0010615, OMIM 307200.

Submission:

Labcorp Genetics (formerly Invitae), Labcorp
Classification: Uncertain significance for X-linked agammaglobulinemia with growth hormone deficiency. Last evaluated: 2026-01-14. Review status: criteria provided, single submitter. Criteria: Invitae Variant Classification Sherloc (09022015). Collection method: clinical testing. Allele origin: germline.
Comment: This sequence change replaces proline, which is neutral and non-polar, with leucine, which is neutral and non-polar, at codon 469 of the BTK protein (p.Pro469Leu). This variant is not present in population databases (gnomAD no frequency). This variant has not been reported in the literature in individuals affected with BTK-related conditions. Invitae Evidence Modeling of protein sequence and biophysical properties (such as structural, functional, and spatial information, amino acid conservation, physicochemical variation, residue mobility, and thermodynamic stability) indicates that this missense variant is expected to disrupt BTK protein function with a positive predictive value of 95%. In summary, the available evidence is currently insufficient to determine the role of this variant in disease. Therefore, it has been classified as a Variant of Uncertain Significance.